The following is an entry in ClinVar:

ClinVar aggregate classification (germline): Uncertain significance (1 of 4 stars; one submission).

gnomAD v4.1: 4 of 1,613,588 alleles (0.00025%); highest among the groups gnomAD compares: African/African-American, 0.004%; no homozygotes.

Submission:

Labcorp Genetics (formerly Invitae), Labcorp
Classification: Uncertain significance. Last evaluated: 2025-09-01. Review status: criteria provided, single submitter. Criteria: Invitae Variant Classification Sherloc (09022015). Collection method: clinical testing. Allele origin: germline.
Comment: This sequence change replaces serine, which is neutral and polar, with alanine, which is neutral and non-polar, at codon 146 of the PRPF8 protein (p.Ser146Ala). This variant is present in population databases (rs748866452, gnomAD 0.007%). This variant has not been reported in the literature in individuals affected with PRPF8-related conditions. An algorithm developed to predict the effect of missense changes on protein structure and function (PolyPhen-2) suggests that this variant is likely to be tolerated. In summary, the available evidence is currently insufficient to determine the role of this variant in disease. Therefore, it has been classified as a Variant of Uncertain Significance.

NM_006445.4(PRPF8):c.436T>G (p.Ser146Ala)

Gene: PRPF8 (pre-mRNA processing factor 8; minus strand). Cytogenetic location: 17p13.3.
Variant type: single nucleotide variant.
Coding change: c.436T>G on transcript NM_006445.4 (MANE Select); coding-DNA position 436, T replaced by G.
Protein change: p.Ser146Ala; replaces serine 146 with alanine.
Molecular consequence: missense variant.
Genome position (GRCh38, 1-based): chr17:1,682,037, A>C on the plus strand (T>G on the coding strand, the complement: PRPF8 is on the minus strand). VCF-style: chr17-1682037-A-C. GRCh37 (hg19) VCF-style: chr17-1585331-A-C.
Other names: short protein forms S146A.
Identifiers: ClinVar variation 4781637 (VCV004781637.1).